The following is an entry in ClinVar:

NM_015065.3(EXPH5):c.4391A>G (p.Gln1464Arg)

Gene: EXPH5 (exophilin 5; minus strand). Cytogenetic location: 11q22.3.
Variant type: single nucleotide variant.
Coding change: c.4391A>G on transcript NM_015065.3 (MANE Select); coding-DNA position 4391, A replaced by G.
Protein change: p.Gln1464Arg; replaces glutamine 1464 with arginine.
Molecular consequence: missense variant.
Genome position (GRCh38, 1-based): chr11:108,511,116, T>C on the plus strand (A>G on the coding strand, the complement: EXPH5 is on the minus strand). VCF-style: chr11-108511116-T-C. GRCh37 (hg19) VCF-style: chr11-108381843-T-C.
Other names: c.4391A>G (NM_015065.2); c.4163A>G, p.Gln1388Arg (NM_001144763.2); c.3923A>G, p.Gln1308Arg (NM_001144764.2); c.3827A>G, p.Gln1276Arg (NM_001144765.2); c.4370A>G, p.Gln1457Arg (NM_001308019.2); short protein forms Q1464R, Q1308R, Q1388R, Q1276R, Q1457R.
Identifiers: ClinVar variation 1374220 (VCV001374220.8), dbSNP rs762751070, ClinGen allele CA6267530.
Genomic context (GRCh38, chr11:108,511,116, plus strand): 5'-CCTTCCCTAGGCTGTGATCCACTGGAGCCATCACCTACAGCTGTGGATGTGTGATCTTTC[T>C]GGGGACACTTGCCACTTCCAGTAAATGGAATGGCTCTACCACTCCCTGTACACTCCCAAG-3'
Protein context (NP_055880.2, residues 1454-1474): IPFTGSGKCP[Gln1464Arg]KDHTSTAVGD

ClinVar aggregate classification (germline): Uncertain significance. Review status: criteria provided, multiple submitters, no conflicts (2 of 4 stars). 3 submissions from 3 submitters: Uncertain significance (3). Last evaluated 2025-12-23.

Conditions:
EXPH5-related disorder. Also called: EXPH5-related condition.
Inborn genetic diseases. Identifiers: MedGen C0950123, MeSH D030342.

Allele frequency attached by ClinVar (database versions not stated): gnomAD exomes 0.00001 and 0.00003; ExAC 0.00003; gnomAD 0.00003 and 0.00004; TOPMed 0.00009.
gnomAD v4.1: 18 of 1,613,894 alleles (0.0011%); highest among the groups gnomAD compares: Admixed American, 0.013%; no homozygotes.

Submissions (3):

PreventionGenetics, part of Exact Sciences
Classification: Uncertain significance for EXPH5-related condition. Last evaluated: 2025-12-23. Review status: criteria provided, single submitter. Criteria: ACMG Guidelines, 2015. Collection method: clinical testing. Allele origin: germline.
Comment: The EXPH5 c.4391A>G variant is predicted to result in the amino acid substitution p.Gln1464Arg. To our knowledge, this variant has not been reported in the literature. This variant is reported in 0.014% of alleles in individuals of Latino descent in gnomAD. At this time, the clinical significance of this variant is uncertain due to the absence of conclusive functional and genetic evidence.

Ambry Genetics
Classification: Uncertain significance for Inborn genetic diseases. Last evaluated: 2024-11-10. Review status: criteria provided, single submitter. Criteria: Ambry Variant Classification Scheme 2023. Collection method: clinical testing. Allele origin: germline.

Labcorp Genetics (formerly Invitae), Labcorp
Classification: Uncertain significance. Last evaluated: 2022-07-06. Review status: criteria provided, single submitter. Criteria: Invitae Variant Classification Sherloc (09022015). Collection method: clinical testing. Allele origin: germline.
Comment: In summary, the available evidence is currently insufficient to determine the role of this variant in disease. Therefore, it has been classified as a Variant of Uncertain Significance. Algorithms developed to predict the effect of missense changes on protein structure and function (SIFT, PolyPhen-2, Align-GVGD) all suggest that this variant is likely to be tolerated. ClinVar contains an entry for this variant (Variation ID: 1374220). This variant has not been reported in the literature in individuals affected with EXPH5-related conditions. This variant is present in population databases (rs762751070, gnomAD 0.01%). This sequence change replaces glutamine, which is neutral and polar, with arginine, which is basic and polar, at codon 1464 of the EXPH5 protein (p.Gln1464Arg).